The following is an entry in ClinVar:

NM_000059.4(BRCA2):c.2072C>T (p.Ala691Val)

Gene: BRCA2 (BRCA2 DNA repair associated; plus strand). Cytogenetic location: 13q13.1.
Variant type: single nucleotide variant.
Coding change: c.2072C>T on transcript NM_000059.4 (MANE Select); coding-DNA position 2072, C replaced by T.
Protein change: p.Ala691Val; replaces alanine 691 with valine.
Molecular consequence: missense variant.
Genome position (GRCh38, 1-based): chr13:32,336,427, C>T. VCF-style: chr13-32336427-C-T. GRCh37 (hg19) VCF-style: chr13-32910564-C-T.
Other names: short protein forms A691V.
Identifiers: ClinVar variation 462255 (VCV000462255.23), dbSNP rs868546240, ClinGen allele CA247500536.

ClinVar aggregate classification (germline): Conflicting classifications of pathogenicity. Review status: criteria provided, conflicting classifications (1 of 4 stars). 5 submissions from 5 submitters: Uncertain significance (4); Likely benign (1). Last evaluated 2026-01-10.

Conditions:
Hereditary cancer-predisposing syndrome. Also called: Neoplastic Syndromes, Hereditary; Hereditary Cancer Syndrome; Hereditary neoplastic syndrome; Tumor predisposition. Identifiers: Orphanet 140162, MedGen C0027672, MeSH D009386, MONDO:0015356.
Hereditary breast ovarian cancer syndrome. Also called: Hereditary breast and ovarian cancer syndrome (HBOC); Hereditary breast and ovarian cancer syndrome; Breast and ovarian cancer; Hereditary breast and/or ovarian cancer syndrome; Hereditary breast and ovarian cancer; BRCA1- and BRCA2-Associated Hereditary Breast and Ovarian Cancer. Identifiers: Orphanet 145, MedGen C0677776, MeSH D061325, MONDO:0003582. Disease mechanism: loss of function.

Allele frequency attached by ClinVar (database versions not stated): gnomAD 0.00001.
gnomAD v4.1: 2 of 1,613,646 alleles (0.00012%); highest among the groups gnomAD compares: Middle Eastern, 0.017%; no homozygotes.

Submissions (5):

Labcorp Genetics (formerly Invitae), Labcorp
Classification: Uncertain significance for Hereditary breast ovarian cancer syndrome. Last evaluated: 2026-01-10. Review status: criteria provided, single submitter. Criteria: Invitae Variant Classification Sherloc (09022015). Collection method: clinical testing. Allele origin: germline.
Comment: This sequence change replaces alanine, which is neutral and non-polar, with valine, which is neutral and non-polar, at codon 691 of the BRCA2 protein (p.Ala691Val). This variant is not present in population databases (gnomAD no frequency). This missense change has been observed in individual(s) with breast cancer or rectal cancer (PMID: 29297111, 37306523). ClinVar contains an entry for this variant (Variation ID: 462255). Invitae Evidence Modeling of protein sequence and biophysical properties (such as structural, functional, and spatial information, amino acid conservation, physicochemical variation, residue mobility, and thermodynamic stability) indicates that this missense variant is not expected to disrupt BRCA2 protein function with a negative predictive value of 95%. In summary, the available evidence is currently insufficient to determine the role of this variant in disease. Therefore, it has been classified as a Variant of Uncertain Significance.

Color Diagnostics, LLC DBA Color Health
Classification: Uncertain significance for Hereditary cancer-predisposing syndrome. Last evaluated: 2025-07-29. Review status: criteria provided, single submitter. Criteria: ACMG Guidelines, 2015. Collection method: clinical testing. Allele origin: germline.
Comment: This missense variant replaces alanine with valine at codon 691 of the BRCA2 protein. Computational prediction suggests that this variant may not impact protein structure and function . To our knowledge, functional studies have not been reported for this variant. This variant has been reported in an individual affected with breast cancer (PMID: 35402282). A multifactorial analysis has reached a combined likelihood ratio (LR) of 0.521 based on reported LR for co-occurrence with a pathogenic variant and personal and family history for 1 carrier (PMID: 31853058). This variant has not been identified in the general population by the Genome Aggregation Database (gnomAD). The available evidence is insufficient to determine the role of this variant in disease conclusively. Therefore, this variant is classified as a Variant of Uncertain Significance.

Ambry Genetics
Classification: Uncertain significance for Hereditary cancer-predisposing syndrome. Last evaluated: 2025-03-06. Review status: criteria provided, single submitter. Criteria: Ambry Variant Classification Scheme 2023. Collection method: clinical testing. Allele origin: germline.
Comment: The p.A691V variant (also known as c.2072C>T), located in coding exon 10 of the BRCA2 gene, results from a C to T substitution at nucleotide position 2072. The alanine at codon 691 is replaced by valine, an amino acid with similar properties. This alteration has been identified in multiple individuals diagnosed with breast cancer (Alhuqail AJ et al. Breast Cancer Res Treat, 2018 Apr;168:695-702; Abdel-Razeq H et al. Front Oncol, 2022 Mar;12:673094). This amino acid position is not well conserved in available vertebrate species. In addition, this alteration is predicted to be tolerated by in silico analysis. Based on the available evidence, the clinical significance of this variant remains unclear.

University of Washington Department of Laboratory Medicine, University of Washington
Classification: Likely benign for Hereditary cancer-predisposing syndrome. Last evaluated: 2023-03-23. Review status: criteria provided, single submitter. Criteria: Dines et al. (Genet Med. 2020). Collection method: curation. Allele origin: germline.
Comment: Missense variant in a coldspot region where missense variants are very unlikely to be pathogenic (PMID:31911673).

BRCA2 exon 11 coldspot. Reclassification based on statistical prior probability.

GeneDx
Classification: Uncertain significance. Last evaluated: 2022-09-22. Review status: criteria provided, single submitter. Criteria: GeneDx Variant Classification Process June 2021. Collection method: clinical testing. Allele origin: germline. Affected: yes.
Comment: Not observed at significant frequency in large population cohorts (gnomAD); In silico analysis supports that this missense variant does not alter protein structure/function; Observed in individuals with breast cancer (Alhuqail et al., 2018; Abdel-Razeq et al., 2022); Also known as 2300C>T; This variant is associated with the following publications: (PMID: 29297111, 35402282)

Literature cited by the submitters: PubMed 29297111 (cited by Labcorp Genetics (formerly Invitae), Labcorp and Ambry Genetics); PubMed 37306523 (cited by Labcorp Genetics (formerly Invitae), Labcorp); PubMed 31853058 (cited by Color Diagnostics, LLC DBA Color Health); PubMed 35402282 (cited by Color Diagnostics, LLC DBA Color Health and Ambry Genetics).